The following is an entry in ClinVar:

NM_030624.3(KLHL15):c.223A>C (p.Lys75Gln)

Gene: KLHL15 (kelch like family member 15; minus strand). Cytogenetic location: Xp22.11.
Variant type: single nucleotide variant.
Coding change: c.223A>C on transcript NM_030624.3 (MANE Select); coding-DNA position 223, A replaced by C.
Protein change: p.Lys75Gln; replaces lysine 75 with glutamine.
Molecular consequence: missense variant.
Genome position (GRCh38, 1-based): chrX:24,006,471, T>G on the plus strand (A>C on the coding strand, the complement: KLHL15 is on the minus strand). VCF-style: chrX-24006471-T-G. GRCh37 (hg19) VCF-style: chrX-24024588-T-G.
Other names: short protein forms K75Q.
Identifiers: ClinVar variation 3902871 (VCV003902871.1).

ClinVar aggregate classification (germline): Uncertain significance (1 of 4 stars; one submission).

Submission:

GeneDx
Classification: Uncertain significance. Last evaluated: 2024-12-11. Review status: criteria provided, single submitter. Criteria: GeneDx Variant Classification Process June 2021. Collection method: clinical testing. Allele origin: germline. Affected: yes.
Comment: Not observed at significant frequency in large population cohorts (gnomAD); In silico analysis indicates that this missense variant does not alter protein structure/function; Has not been previously published as pathogenic or benign to our knowledge